The following is an entry in ClinVar:

NC_012920.1(MT-CO1):m.6037G>A

Gene: MT-CO1 (mitochondrially encoded cytochrome c oxidase I; plus strand).
Variant type: single nucleotide variant.
Genome position: chrM-6037-G-A.
Identifiers: ClinVar variation 692608 (VCV000692608.1), dbSNP rs1603220237, ClinGen allele CA414781330.

ClinVar aggregate classification (germline): Uncertain significance (1 of 4 stars; one submission).

Conditions:
Leigh syndrome (NULS). Also called: Leigh's necrotizing encephalopathy; Leigh's disease; Leigh Syndrome (mtDNA deletion); Leigh Disease; Subacute necrotizing encephalopathy; Necrotizing encephalopathy infantile subacute of Leigh. Identifiers: Orphanet 506, MedGen C2931891, MONDO:0009723, OMIM 256000.

Submission:

Wong Mito Lab, Molecular and Human Genetics, Baylor College of Medicine
Classification: Uncertain significance for Leigh syndrome. Last evaluated: 2019-10-17. Review status: criteria provided, single submitter. Criteria: Modified ACMG Guidelines (Unpublished). Collection method: clinical testing. Allele origin: germline.
Comment: The NC_012920.1:m.6037G>A (YP_003024028.1:p.Gly45Asp) variant in MTCO1 gene is interpretated to be a Uncertain Significance variant based on the modified ACMG guidelines (unpublished). This variant meets the following evidence codes: PP3, PP7